The following is an entry in ClinVar:

ClinVar aggregate classification (germline): Uncertain significance. Review status: criteria provided, multiple submitters, no conflicts (2 of 4 stars). 2 submissions from 2 submitters: Uncertain significance (2). Last evaluated 2024-04-29.

Conditions:
Inborn genetic diseases. Identifiers: MedGen C0950123, MeSH D030342.

gnomAD v4.1: 31 of 1,614,174 alleles (0.0019%); highest among the groups gnomAD compares: South Asian, 0.0044%; no homozygotes.

Submissions (2):

GeneDx
Classification: Uncertain significance. Last evaluated: 2024-04-29. Review status: criteria provided, single submitter. Criteria: GeneDx Variant Classification Process June 2021. Collection method: clinical testing. Allele origin: germline. Affected: yes.
Comment: Not observed at significant frequency in large population cohorts (gnomAD); In silico analysis supports that this missense variant has a deleterious effect on protein structure/function; Has not been previously published as pathogenic or benign to our knowledge

Ambry Genetics
Classification: Uncertain significance for Inborn genetic diseases. Last evaluated: 2021-03-30. Review status: criteria provided, single submitter. Criteria: Ambry Variant Classification Scheme 2023. Collection method: clinical testing. Allele origin: germline.

NM_014384.3(ACAD8):c.305G>A (p.Arg102His)

Gene: ACAD8 (acyl-CoA dehydrogenase family member 8; plus strand). Cytogenetic location: 11q25.
Variant type: single nucleotide variant.
Coding change: c.305G>A on transcript NM_014384.3 (MANE Select); coding-DNA position 305, G replaced by A.
Protein change: p.Arg102His; replaces arginine 102 with histidine.
Molecular consequence: missense variant.
Genome position (GRCh38, 1-based): chr11:134,257,182, G>A. VCF-style: chr11-134257182-G-A. GRCh37 (hg19) VCF-style: chr11-134127076-G-A.
Other names: short protein forms R102H.
Identifiers: ClinVar variation 2229936 (VCV002229936.3), dbSNP rs143823240, ClinGen allele CA383513256.